The following is an entry in ClinVar:

NM_001009944.3(PKD1):c.138C>T (p.Ala46=)

Gene: PKD1 (polycystin 1, transient receptor potential channel interacting; minus strand). Cytogenetic location: 16p13.3.
Variant type: single nucleotide variant.
Coding change: c.138C>T on transcript NM_001009944.3 (MANE Select); coding-DNA position 138, C replaced by T.
Protein change: p.Ala46=; no amino-acid change (alanine 46 retained).
Molecular consequence: synonymous variant.
Genome position (GRCh38, 1-based): chr16:2,135,552, G>A on the plus strand (C>T on the coding strand, the complement: PKD1 is on the minus strand). VCF-style: chr16-2135552-G-A. GRCh37 (hg19) VCF-style: chr16-2185553-G-A.
Other names: c.138C>T, p.Ala46= (NM_000296.4).
Identifiers: ClinVar variation 2662356 (VCV002662356.1), dbSNP rs1042072043, ClinGen allele CA276756539.

ClinVar aggregate classification (germline): Uncertain significance (1 of 4 stars; one submission).

Allele frequency attached by ClinVar (database versions not stated): gnomAD exomes 0.00001; gnomAD 0.00016; 1000 Genomes Project 30x 0.00078.
gnomAD v4.1: 34 of 1,127,082 alleles (0.003%); highest among the groups gnomAD compares: Admixed American, 0.12%; no homozygotes.

Submission:

GeneDx
Classification: Uncertain significance. Last evaluated: 2023-05-15. Review status: criteria provided, single submitter. Criteria: GeneDx Variant Classification Process June 2021. Collection method: clinical testing. Allele origin: germline. Affected: yes.
Comment: In silico analysis supports that this variant does not alter splicing; Has not been previously published as pathogenic or benign to our knowledge